The following is an entry in ClinVar:

ClinVar aggregate classification (germline): Uncertain significance (1 of 4 stars; one submission).

Conditions:
Charcot-Marie-Tooth disease type 1C. Also called: HMSN IC; Charcot-Marie-Tooth disease, type IC; CHARCOT-MARIE-TOOTH NEUROPATHY, TYPE 1C; NEUROPATHY, HEREDITARY MOTOR AND SENSORY, TYPE IC; CHARCOT-MARIE-TOOTH DISEASE, DEMYELINATING, TYPE 1C; CMT, SLOW NERVE CONDUCTION TYPE C. Identifiers: Orphanet 101083, MedGen C0270913, MONDO:0010995, OMIM 601098.

Allele frequency attached by ClinVar (database versions not stated): gnomAD exomes below 0.00001 and 0.00001; ExAC 0.00002.
gnomAD v4.1: 4 of 1,614,152 alleles (0.00025%); highest among the groups gnomAD compares: Non-Finnish European, 0.00034%; no homozygotes.

Submission:

Labcorp Genetics (formerly Invitae), Labcorp
Classification: Uncertain significance for Charcot-Marie-Tooth disease type 1C. Last evaluated: 2022-06-15. Review status: criteria provided, single submitter. Criteria: Invitae Variant Classification Sherloc (09022015). Collection method: clinical testing. Allele origin: germline.
Comment: In summary, the available evidence is currently insufficient to determine the role of this variant in disease. Therefore, it has been classified as a Variant of Uncertain Significance. Algorithms developed to predict the effect of missense changes on protein structure and function output the following: SIFT: "Tolerated"; PolyPhen-2: "Benign"; Align-GVGD: "Class C0". The leucine amino acid residue is found in multiple mammalian species, which suggests that this missense change does not adversely affect protein function. ClinVar contains an entry for this variant (Variation ID: 851541). This variant has not been reported in the literature in individuals affected with LITAF-related conditions. This variant is present in population databases (rs774532093, gnomAD 0.003%). This sequence change replaces proline, which is neutral and non-polar, with leucine, which is neutral and non-polar, at codon 6 of the LITAF protein (p.Pro6Leu).

NM_001136472.2(LITAF):c.17C>T (p.Pro6Leu)

Gene: LITAF (lipopolysaccharide induced TNF factor; minus strand). Cytogenetic location: 16p13.13.
Variant type: single nucleotide variant.
Coding change: c.17C>T on transcript NM_001136472.2 (MANE Select); coding-DNA position 17, C replaced by T.
Protein change: p.Pro6Leu; replaces proline 6 with leucine.
Molecular consequence: missense variant. On other transcripts: non-coding transcript variant (1).
Genome position (GRCh38, 1-based): chr16:11,556,714, G>A on the plus strand (C>T on the coding strand, the complement: LITAF is on the minus strand). VCF-style: chr16-11556714-G-A. GRCh37 (hg19) VCF-style: chr16-11650570-G-A.
Other names: c.17C>T, p.Pro6Leu (NM_001136473.1, NM_004862.4); short protein forms P6L.
Identifiers: ClinVar variation 851541 (VCV000851541.9), dbSNP rs774532093, ClinGen allele CA7904201.
Genomic context (GRCh38, chr16:11,556,714, plus strand): 5'-GTCTCTTCATAGGATGGAGGTGCGGATGGTGCTGAGGAAGGCCCAGTGGCCGCCTGGTAA[G>A]GTCCTGGAACCGACATTTTACCTAAAACAGAAACAGAACATACCAGATAAGAAATTCAGT-3'
Protein context (NP_001129944.1, residues 1-16): MSVPG[Pro6Leu]YQAATGPSSA